The following is an entry in ClinVar:

ClinVar aggregate classification (germline): Pathogenic (1 of 4 stars; one submission).

Conditions:
AHDC1-related intellectual disability - obstructive sleep apnea - mild dysmorphism syndrome. Also called: Xia-Gibbs syndrome. Identifiers: Orphanet 412069, MedGen C4014419, MONDO:0014358, OMIM 615829.

Submission:

Centre for Human Genetics, University of Kinshasa
Classification: Pathogenic for AHDC1-related intellectual disability - obstructive sleep apnea - mild dysmorphism syndrome. Last evaluated: 2003-03-06. Review status: criteria provided, single submitter. Criteria: ACMG Guidelines, 2015. Collection method: clinical testing. Allele origin: germline. Affected: yes. Observed: 1 variant allele, 1 heterozygote.
Comment: MRI showed Small corpus callosum with increased thinning, posterior Posterior cyst. Extended clinical description on this patient is available in PMID: 33372375. Paternal sample is unavailable to assess for de novo status of the variant.

Literature cited by the submitters: PubMed 33372375.

NM_001371928.1(AHDC1):c.1125dup (p.Pro376fs)

Gene: AHDC1 (AT-hook DNA binding motif containing 1; minus strand). Cytogenetic location: 1p36.11.
Variant type: Duplication.
Coding change: c.1125dup on transcript NM_001371928.1 (MANE Select); coding-DNA position 1125, one base duplicated (G; older notation c.1125dupG).
Protein change: p.Pro376fs; shifts the reading frame from proline 376.
Molecular consequence: frameshift variant.
Genome position (GRCh38, 1-based): chr1:27,550,991, C duplicated on the plus strand (G on the coding strand, the reverse complement: AHDC1 is on the minus strand); the first of 3 consecutive C bases (chr1:27,550,991-27,550,993); duplicating any one gives the same sequence. VCF-style (leftmost placement, unchanged base first): chr1-27550990-G-GC. GRCh37 (hg19) VCF-style: chr1-27877501-G-GC.
Other names: c.1125dup, p.Pro376fs (NM_001029882.3); short protein forms P376fs.
Identifiers: ClinVar variation 1048789 (VCV001048789.2), dbSNP rs2148289299, ClinGen allele CA2499214689.